The following is an entry in ClinVar:

ClinVar aggregate classification (germline): Uncertain significance (0 of 4 stars; one submission).

Conditions:
SAMD9-related disorder. Also called: SAMD9-related condition.

Submission:

PreventionGenetics, part of Exact Sciences
Classification: Uncertain significance for SAMD9-related condition. Last evaluated: 2024-03-20. Review status: no assertion criteria provided. Collection method: clinical testing. Allele origin: germline.
Comment: The SAMD9 c.4708G>A variant is predicted to result in the amino acid substitution p.Val1570Met. To our knowledge, this variant has not been reported in the literature or in a large population database, indicating this variant is rare. At this time, the clinical significance of this variant is uncertain due to the absence of conclusive functional and genetic evidence.

NM_017654.4(SAMD9):c.4708G>A (p.Val1570Met)

Gene: SAMD9 (sterile alpha motif domain containing 9; minus strand). Cytogenetic location: 7q21.2.
Variant type: single nucleotide variant.
Coding change: c.4708G>A on transcript NM_017654.4 (MANE Select); coding-DNA position 4708, G replaced by A.
Protein change: p.Val1570Met; replaces valine 1570 with methionine.
Molecular consequence: missense variant.
Genome position (GRCh38, 1-based): chr7:93,101,390, C>T on the plus strand (G>A on the coding strand, the complement: SAMD9 is on the minus strand). VCF-style: chr7-93101390-C-T. GRCh37 (hg19) VCF-style: chr7-92730703-C-T.
Other names: c.4708G>A, p.Val1570Met (NM_001193307.2); short protein forms V1570M.
Identifiers: ClinVar variation 3353274 (VCV003353274.1).
Genomic context (GRCh38, chr7:93,101,390, plus strand): 5'-AAACAATTTCAATGTCATAAGCAAGTGGGCCTCCAATGGAAAATCCCAGGTAAAAAGACA[C>T]CTTCTCTATGCTTCTGCCACTTCTAAGTTGACCTAAAAAAGCGGGAGTGATGGGTATTGT-3'
Protein context (NP_060124.2, residues 1560-1580): QLRSGRSIEK[Val1570Met]SFYLGFSIGG